The following is an entry in ClinVar:

ClinVar aggregate classification (germline): Uncertain significance. Review status: criteria provided, multiple submitters, no conflicts (2 of 4 stars). 3 submissions from 3 submitters: Uncertain significance (3). Last evaluated 2026-02-25.

Conditions:
Wiedemann-Steiner syndrome (WDSTS). Also called: Growth deficiency and mental retardation with facial dysmorphism. Identifiers: Orphanet 319182, MedGen C1854630, MONDO:0011518, OMIM 605130.
Inborn genetic diseases. Identifiers: MedGen C0950123, MeSH D030342.

Allele frequency attached by ClinVar (database versions not stated): TOPMed 0.00002; gnomAD exomes below 0.00001; ExAC 0.00001; gnomAD 0.00001.

Submissions (3):

Ambry Genetics
Classification: Uncertain significance for Inborn genetic diseases. Last evaluated: 2026-02-25. Review status: criteria provided, single submitter. Criteria: Ambry Variant Classification Scheme 2023. Collection method: clinical testing. Allele origin: germline.
Comment: The c.6085A>G (p.M2029V) alteration is located in exon 24 (coding exon 24) of the KMT2A gene. This alteration results from a A to G substitution at nucleotide position 6085, causing the methionine (M) at amino acid position 2029 to be replaced by a valine (V). Based on data from gnomAD, the G allele has an overall frequency of <0.001% (1/251356) total alleles studied. The highest observed frequency was 0.001% (1/113662) of European (non-Finnish) alleles. Based on insufficient or conflicting evidence, the clinical significance of this alteration remains unclear.

Labcorp Genetics (formerly Invitae), Labcorp
Classification: Uncertain significance. Last evaluated: 2025-12-01. Review status: criteria provided, single submitter. Criteria: Invitae Variant Classification Sherloc (09022015). Collection method: clinical testing. Allele origin: germline.
Comment: This sequence change replaces methionine, which is neutral and non-polar, with valine, which is neutral and non-polar, at codon 2029 of the KMT2A protein (p.Met2029Val). This variant is present in population databases (rs782378796, gnomAD 0.0009%). This variant has not been reported in the literature in individuals affected with KMT2A-related conditions. ClinVar contains an entry for this variant (Variation ID: 3004125). Invitae Evidence Modeling of protein sequence and biophysical properties (such as structural, functional, and spatial information, amino acid conservation, physicochemical variation, residue mobility, and thermodynamic stability) indicates that this missense variant is not expected to disrupt KMT2A protein function with a negative predictive value of 95%. In summary, the available evidence is currently insufficient to determine the role of this variant in disease. Therefore, it has been classified as a Variant of Uncertain Significance.

Victorian Clinical Genetics Services, Murdoch Childrens Research Institute
Classification: Uncertain significance for Wiedemann-Steiner syndrome. Last evaluated: 2025-04-13. Review status: criteria provided, single submitter. Criteria: ACMG Guidelines, 2015. Collection method: clinical testing. Allele origin: germline. Affected: yes.
Comment: This variant is classified as VUS-3A. Evidence in support of pathogenic classification: Variant is present in gnomAD <0.001 for a dominant condition (v4: 4 heterozygote(s), 0 homozygote(s)); Additional information: Variant is predicted to result in a missense amino acid change from methionine to valine; This variant is heterozygous; This gene is associated with autosomal dominant disease; Alternative amino acid change(s) at the same position are present in gnomAD (Highest allele count: v4: 4 heterozygote(s), 0 homozygote(s)); Previous evidence of pathogenicity for this variant is inconclusive. This variant has been classified as a VUS by a clinical laboratory in ClinVar; No published segregation evidence has been identified for this variant; No published functional evidence has been identified for this variant; Another missense variant(s) comparable to the one identified in this case has inconclusive previous evidence for pathogenicity. p.(Met3029Thr) has been classified as a VUS by a clinical laboratory in ClinVar; Variant is located in the annotated FYRN domain (DECIPHER); Missense variant with inconclusive in silico prediction and uninformative conservation; Loss of function is a known mechanism of disease in this gene and is associated with Wiedemann-Steiner syndrome (MIM#605130).

NM_001197104.2(KMT2A):c.6085A>G (p.Met2029Val)

Gene: KMT2A (lysine methyltransferase 2A; plus strand). Cytogenetic location: 11q23.3.
Variant type: single nucleotide variant.
Coding change: c.6085A>G on transcript NM_001197104.2 (MANE Select); coding-DNA position 6085, A replaced by G.
Protein change: p.Met2029Val; replaces methionine 2029 with valine.
Molecular consequence: missense variant.
Genome position (GRCh38, 1-based): chr11:118,499,840, A>G. VCF-style: chr11-118499840-A-G. GRCh37 (hg19) VCF-style: chr11-118370555-A-G.
Other names: c.6175A>G, p.Met2059Val (NM_001412597.1); c.6076A>G, p.Met2026Val (NM_005933.4); short protein forms M2026V, M2029V, M2059V.
Identifiers: ClinVar variation 3004125 (VCV003004125.6), dbSNP rs782378796, ClinGen allele CA6304177.